The following is an entry in ClinVar:

ClinVar aggregate classification (germline): Likely benign (1 of 4 stars; one submission).

Allele frequency attached by ClinVar (database versions not stated): 1000 Genomes Project 0.00662; 1000 Genomes Project 30x 0.00791; TOPMed 0.01257; gnomAD 0.01506 and 0.01529.
gnomAD v4.1: 1,678 of 112,466 alleles (1.5%); highest among the groups gnomAD compares: Non-Finnish European, 2.3%; 7 homozygotes.

Submission:

GeneDx
Classification: Likely benign. Last evaluated: 2018-06-14. Review status: criteria provided, single submitter. Criteria: GeneDx Variant Classification (06012015). Collection method: clinical testing. Allele origin: germline. Affected: yes.
Comment: This variant is considered likely benign or benign based on one or more of the following criteria: it is a conservative change, it occurs at a poorly conserved position in the protein, it is predicted to be benign by multiple in silico algorithms, and/or has population frequency not consistent with disease.

NM_004006.3(DMD):c.10921+236C>T

Gene: DMD (dystrophin; minus strand). Cytogenetic location: Xp21.2.
Variant type: single nucleotide variant.
Coding change: c.10921+236C>T on transcript NM_004006.3 (MANE Select); 236 bases into the intron after coding-DNA position 10921, C replaced by T.
Molecular consequence: intron variant.
Genome position (GRCh38, 1-based): chrX:31,146,055, G>A on the plus strand (C>T on the coding strand, the complement: DMD is on the minus strand). VCF-style: chrX-31146055-G-A. GRCh37 (hg19) VCF-style: chrX-31164172-G-A.
Other names: c.10897+236C>T (NM_000109.4); c.6898+236C>T (NM_004011.4); c.6889+236C>T (NM_004012.4); c.3211+236C>T (NM_004023.3, NM_004020.4); c.3502+236C>T (NM_004022.3); c.3541+236C>T (NM_004021.3, NM_004013.3); c.2734+236C>T (NM_004014.3); c.1678+236C>T (NM_004018.3, NM_004017.3); and 3 more.
Identifiers: ClinVar variation 677762 (VCV000677762.1), dbSNP rs72466535, ClinGen allele CA328402750.